The following is an entry in ClinVar:

NM_000222.3(KIT):c.1775-5T>C

Gene: KIT (KIT proto-oncogene, receptor tyrosine kinase; plus strand). Cytogenetic location: 4q12.
Variant type: single nucleotide variant.
Coding change: c.1775-5T>C on transcript NM_000222.3 (MANE Select); 5 bases into the intron before coding-DNA position 1775, T replaced by C.
Molecular consequence: intron variant.
Genome position (GRCh38, 1-based): chr4:54,727,818, T>C. VCF-style: chr4-54727818-T-C. GRCh37 (hg19) VCF-style: chr4-55593984-T-C.
Other names: c.1775-5T>C (NM_000222.2, NM_001385285.1); c.1778-5T>C (NM_001385284.1, NM_001385290.1); c.1766-5T>C (NM_001385288.1, NM_001385292.1); c.1763-5T>C (NM_001093772.2, NM_001385286.1).
Identifiers: ClinVar variation 1538183 (VCV001538183.8), dbSNP rs2109779186, ClinGen allele CA2573138228.

ClinVar aggregate classification (germline): Conflicting classifications of pathogenicity. Review status: criteria provided, conflicting classifications (1 of 4 stars). 2 submissions from 2 submitters: Uncertain significance (1); Likely benign (1). Last evaluated 2025-09-29.

Conditions:
Hereditary cancer-predisposing syndrome. Also called: Tumor predisposition; Neoplastic Syndromes, Hereditary; Hereditary Cancer Syndrome; Hereditary neoplastic syndrome. Identifiers: Orphanet 140162, MedGen C0027672, MeSH D009386, MONDO:0015356.
Gastrointestinal stromal tumor. Also called: Gastrointestinal stromal tumor, somatic; Gastrointestinal stroma tumor. Identifiers: Orphanet 44890, MedGen C0238198, MeSH D046152, MONDO:0011719, OMIM 606764, HP:0100723.

Submissions (2):

Ambry Genetics
Classification: Uncertain significance for Hereditary cancer-predisposing syndrome. Last evaluated: 2025-09-29. Review status: criteria provided, single submitter. Criteria: Ambry Variant Classification Scheme 2023. Collection method: clinical testing. Allele origin: germline.
Comment: The c.1775-5T>C intronic variant results from a T to C substitution 5 nucleotides upstream from coding exon 12 in the KIT gene. This nucleotide position is not well conserved in available vertebrate species. In silico splice site analysis predicts that this alteration will not have any significant effect on splicing. Based on the available evidence, the clinical significance of this variant remains unclear.

Labcorp Genetics (formerly Invitae), Labcorp
Classification: Likely benign for Gastrointestinal stromal tumor. Last evaluated: 2023-11-17. Review status: criteria provided, single submitter. Criteria: Invitae Variant Classification Sherloc (09022015). Collection method: clinical testing. Allele origin: germline.